The following is an entry in ClinVar:

ClinVar aggregate classification (germline): Uncertain significance. Review status: criteria provided, multiple submitters, no conflicts (2 of 4 stars). 2 submissions from 2 submitters: Uncertain significance (2). Last evaluated 2025-10-01.

Conditions:
Hereditary breast ovarian cancer syndrome. Also called: Hereditary breast and ovarian cancer; Hereditary breast and ovarian cancer syndrome; Breast and ovarian cancer; BRCA1- and BRCA2-Associated Hereditary Breast and Ovarian Cancer; Hereditary breast and ovarian cancer syndrome (HBOC); Hereditary breast and/or ovarian cancer syndrome. Identifiers: Orphanet 145, MedGen C0677776, MeSH D061325, MONDO:0003582. Disease mechanism: loss of function.
Hereditary cancer-predisposing syndrome. Also called: Tumor predisposition; Hereditary Cancer Syndrome; Hereditary neoplastic syndrome; Neoplastic Syndromes, Hereditary. Identifiers: Orphanet 140162, MedGen C0027672, MeSH D009386, MONDO:0015356.

Submissions (2):

Ambry Genetics
Classification: Uncertain significance for Hereditary cancer-predisposing syndrome. Last evaluated: 2025-10-01. Review status: criteria provided, single submitter. Criteria: Ambry Variant Classification Scheme 2023. Collection method: clinical testing. Allele origin: germline.
Comment: The p.S741Y variant (also known as c.2222C>A), located in coding exon 9 of the BRCA1 gene, results from a C to A substitution at nucleotide position 2222. The serine at codon 741 is replaced by tyrosine, an amino acid with dissimilar properties. This amino acid position is not well conserved in available vertebrate species. In addition, the in silico prediction for this alteration is inconclusive. Based on the available evidence, the clinical significance of this variant remains unclear.

Labcorp Genetics (formerly Invitae), Labcorp
Classification: Uncertain significance for Hereditary breast ovarian cancer syndrome. Last evaluated: 2025-02-11. Review status: criteria provided, single submitter. Criteria: Invitae Variant Classification Sherloc (09022015). Collection method: clinical testing. Allele origin: germline.
Comment: This sequence change replaces serine, which is neutral and polar, with tyrosine, which is neutral and polar, at codon 741 of the BRCA1 protein (p.Ser741Tyr). This variant is not present in population databases (gnomAD no frequency). This variant has not been reported in the literature in individuals affected with BRCA1-related conditions. ClinVar contains an entry for this variant (Variation ID: 2809079). Invitae Evidence Modeling of protein sequence and biophysical properties (such as structural, functional, and spatial information, amino acid conservation, physicochemical variation, residue mobility, and thermodynamic stability) indicates that this missense variant is expected to disrupt BRCA1 protein function with a positive predictive value of 80%. In summary, the available evidence is currently insufficient to determine the role of this variant in disease. Therefore, it has been classified as a Variant of Uncertain Significance.

NM_007294.4(BRCA1):c.2222C>A (p.Ser741Tyr)

Gene: BRCA1 (BRCA1 DNA repair associated; minus strand). Cytogenetic location: 17q21.31.
Variant type: single nucleotide variant.
Coding change: c.2222C>A on transcript NM_007294.4 (MANE Select); coding-DNA position 2222, C replaced by A.
Protein change: p.Ser741Tyr; replaces serine 741 with tyrosine.
Molecular consequence: missense variant. On other transcripts: intron variant (137).
Genome position (GRCh38, 1-based): chr17:43,093,309, G>T on the plus strand (C>A on the coding strand, the complement: BRCA1 is on the minus strand). VCF-style: chr17-43093309-G-T. GRCh37 (hg19) VCF-style: chr17-41245326-G-T.
Other names: c.661+1435C>A (NM_001408435.1, NM_001408450.1, NM_001408434.1 and 6 more transcripts); c.784+1435C>A (NM_001408401.1, NM_001408396.1, NM_001407985.1 and 13 more transcripts); c.664+1435C>A (NM_001408438.1, NM_001408430.1, NM_001408444.1 and 12 more transcripts); c.671-2277C>A (NM_001408420.1, NM_001408423.1, NM_001408419.1 and 2 more transcripts); c.548-2277C>A (NM_001408494.1); c.2009C>A, p.Ser670Tyr (NM_001407571.1, NM_001407853.1, NM_001407894.1 and 9 more transcripts); c.2222C>A, p.Ser741Tyr (NM_001407581.1, NM_001407582.1, NM_001407583.1 and 30 more transcripts); c.2219C>A, p.Ser740Tyr (NM_001407587.1, NM_001407590.1, NM_001407591.1 and 22 more transcripts); and 41 more; short protein forms S573Y, S614Y, S652Y, S671Y, S673Y, S694Y, S738Y, S741Y.
Identifiers: ClinVar variation 2809079 (VCV002809079.4), dbSNP rs80357051, ClinGen allele CA10597555.